The following is an entry in ClinVar:

ClinVar aggregate classification (germline): Uncertain significance (1 of 4 stars; one submission).

gnomAD v4.1: 4 of 1,613,580 alleles (0.00025%); highest among the groups gnomAD compares: East Asian, 0.0022%; no homozygotes.

Submission:

Labcorp Genetics (formerly Invitae), Labcorp
Classification: Uncertain significance. Last evaluated: 2025-02-20. Review status: criteria provided, single submitter. Criteria: Invitae Variant Classification Sherloc (09022015). Collection method: clinical testing. Allele origin: germline.
Comment: This sequence change replaces valine, which is neutral and non-polar, with alanine, which is neutral and non-polar, at codon 356 of the WNK4 protein (p.Val356Ala). This variant is present in population databases (no rsID available, gnomAD 0.06%). This variant has not been reported in the literature in individuals affected with WNK4-related conditions. Experimental studies and prediction algorithms are not available or were not evaluated, and the functional significance of this variant is currently unknown. In summary, the available evidence is currently insufficient to determine the role of this variant in disease. Therefore, it has been classified as a Variant of Uncertain Significance.

NM_032387.5(WNK4):c.1067T>C (p.Val356Ala)

Genes: WNK4 (WNK lysine deficient protein kinase 4; plus strand), LOC126862568 (CDK7 strongly-dependent group 2 enhancer GRCh37_chr17:40934948-40936147; plus strand). Cytogenetic location: 17q21.2.
Variant type: single nucleotide variant.
Coding change: c.1067T>C on transcript NM_032387.5 (MANE Select); coding-DNA position 1067, T replaced by C.
Protein change: p.Val356Ala; replaces valine 356 with alanine.
Molecular consequence: missense variant.
Genome position (GRCh38, 1-based): chr17:42,784,476, T>C. VCF-style: chr17-42784476-T-C. GRCh37 (hg19) VCF-style: chr17-40936494-T-C.
Other names: c.148T>C, p.Trp50Arg (NM_001321299.2); short protein forms W50R, V356A.
Identifiers: ClinVar variation 4762532 (VCV004762532.1).
Genomic context (GRCh38, chr17:42,784,476, plus strand): 5'-CTACAGGGACCCCGGAATTCATGGCCCCCGAGATGTACGAGGAAAAGTACGATGAGGCCG[T>C]GGACGTGTACGCGTTCGGCATGTGCATGCTGGAGATGGCCACCTCTGAGTACCCGTACTC-3'
Protein context (NP_115763.2, residues 346-366): EMYEEKYDEA[Val356Ala]DVYAFGMCML